The following is an entry in ClinVar:

ClinVar aggregate classification (germline): Uncertain significance. Review status: criteria provided, multiple submitters, no conflicts (2 of 4 stars). 3 submissions from 3 submitters: Uncertain significance (3). Last evaluated 2026-02-04.

Conditions:
Developmental and epileptic encephalopathy 94 (DEE94). Also called: Epileptic encephalopathy, childhood-onset; CHD2-Related Neurodevelopmental Disorders. Identifiers: Orphanet 1942, Orphanet 2382, MedGen C3809278, MONDO:0014150, OMIM 615369.

Allele frequency attached by ClinVar (database versions not stated): gnomAD exomes below 0.00001; gnomAD 0.00001; TOPMed 0.00001.
gnomAD v4.1: 4 of 1,614,012 alleles (0.00025%); highest among the groups gnomAD compares: Non-Finnish European, 0.00034%; no homozygotes.

Submissions (3):

GeneDx
Classification: Uncertain significance. Last evaluated: 2026-02-04. Review status: criteria provided, single submitter. Criteria: GeneDx Variant Classification Process June 2021. Collection method: clinical testing. Allele origin: germline. Affected: yes.
Comment: In silico analysis supports that this missense variant has a deleterious effect on protein structure/function; Has not been previously published as pathogenic or benign to our knowledge

Women's Health and Genetics/Laboratory Corporation of America, LabCorp
Classification: Uncertain significance. Last evaluated: 2024-11-04. Review status: criteria provided, single submitter. Criteria: LabCorp Variant Classification Summary - May 2015. Collection method: clinical testing. Allele origin: germline.
Comment: Variant summary: CHD2 c.4559A>T (p.Tyr1520Phe) results in a conservative amino acid change located in the Chromodomain-helicase-DNA-binding protein 1-like, C-terminal domain (IPR025260) of the encoded protein sequence. Three of five in-silico tools predict a damaging effect of the variant on protein function. The variant allele was found at a frequency of 4e-06 in 251322 control chromosomes. The available data on variant occurrences in the general population are insufficient to allow any conclusion about variant significance. To our knowledge, no occurrence of c.4559A>T in individuals affected with Developmental And Epileptic Encephalopathy 94 and no experimental evidence demonstrating its impact on protein function have been reported. ClinVar contains an entry for this variant (Variation ID: 834114). Based on the evidence outlined above, the variant was classified as uncertain significance.

Labcorp Genetics (formerly Invitae), Labcorp
Classification: Uncertain significance for Developmental and epileptic encephalopathy 94. Last evaluated: 2024-08-11. Review status: criteria provided, single submitter. Criteria: Invitae Variant Classification Sherloc (09022015). Collection method: clinical testing. Allele origin: germline.
Comment: This sequence change replaces tyrosine, which is neutral and polar, with phenylalanine, which is neutral and non-polar, at codon 1520 of the CHD2 protein (p.Tyr1520Phe). This variant is present in population databases (no rsID available, gnomAD 0.0009%). This variant has not been reported in the literature in individuals affected with CHD2-related conditions. ClinVar contains an entry for this variant (Variation ID: 834114). Advanced modeling of protein sequence and biophysical properties (such as structural, functional, and spatial information, amino acid conservation, physicochemical variation, residue mobility, and thermodynamic stability) performed at Invitae indicates that this missense variant is not expected to disrupt CHD2 protein function with a negative predictive value of 95%. In summary, the available evidence is currently insufficient to determine the role of this variant in disease. Therefore, it has been classified as a Variant of Uncertain Significance.

NM_001271.4(CHD2):c.4559A>T (p.Tyr1520Phe)

Gene: CHD2 (chromodomain helicase DNA binding protein 2; plus strand). Cytogenetic location: 15q26.1.
Variant type: single nucleotide variant.
Coding change: c.4559A>T on transcript NM_001271.4 (MANE Select); coding-DNA position 4559, A replaced by T.
Protein change: p.Tyr1520Phe; replaces tyrosine 1520 with phenylalanine.
Molecular consequence: missense variant.
Genome position (GRCh38, 1-based): chr15:93,009,290, A>T. VCF-style: chr15-93009290-A-T. GRCh37 (hg19) VCF-style: chr15-93552520-A-T.
Other names: short protein forms Y1520F.
Identifiers: ClinVar variation 834114 (VCV000834114.12), dbSNP rs1443730022, ClinGen allele CA393904650.